The following is an entry in ClinVar:

ClinVar aggregate classification (germline): Uncertain significance (1 of 4 stars; one submission).

Conditions:
Cryopyrin associated periodic syndrome (CAPS). Identifiers: Orphanet 208650, MedGen C2316212, MONDO:0016168.

Submission:

Labcorp Genetics (formerly Invitae), Labcorp
Classification: Uncertain significance for Cryopyrin associated periodic syndrome. Last evaluated: 2024-06-03. Review status: criteria provided, single submitter. Criteria: Invitae Variant Classification Sherloc (09022015). Collection method: clinical testing. Allele origin: germline.
Comment: This sequence change results in a frameshift in the NLRP3 gene (p.Val1030Serfs*101). While this is not anticipated to result in nonsense mediated decay, it is expected to disrupt the last 7 amino acid(s) of the NLRP3 protein and extend the protein by 93 additional amino acid residues. This variant is not present in population databases (gnomAD no frequency). This variant has not been reported in the literature in individuals affected with NLRP3-related conditions. Experimental studies and prediction algorithms are not available or were not evaluated, and the functional significance of this variant is currently unknown. In summary, the available evidence is currently insufficient to determine the role of this variant in disease. Therefore, it has been classified as a Variant of Uncertain Significance.

NM_001243133.2(NLRP3):c.3081del (p.Val1028fs)

Gene: NLRP3 (NLR family pyrin domain containing 3; plus strand). Cytogenetic location: 1q44.
Variant type: Deletion.
Coding change: c.3081del on transcript NM_001243133.2 (MANE Select); coding-DNA position 3081, one base deleted (C; older notation c.3081delC).
Protein change: p.Val1028fs; shifts the reading frame from valine 1028.
Molecular consequence: frameshift variant.
Genome position (GRCh38, 1-based): chr1:247,448,480, C deleted; the last of 2 consecutive C bases (chr1:247,448,479-247,448,480); deleting either gives the same sequence. VCF-style (leftmost placement, unchanged base first): chr1-247448478-AC-A. GRCh37 (hg19) VCF-style: chr1-247611780-AC-A.
Other names: c.2739del, p.Val914fs (NM_183395.3); c.3081del, p.Val1028fs (NM_001079821.3); c.2910del, p.Val971fs (NM_001127461.3, NM_001127462.3); c.3087del, p.Val1030fs (NM_004895.5); short protein forms V1028fs, V1030fs, V914fs, V971fs.
Identifiers: ClinVar variation 3621349 (VCV003621349.2).
Genomic context (GRCh38, chr1:247,448,478, plus strand): 5'-TATTTCAATTATGAGACAAAAAGTGCGTTAGAAACACTTCAAGAAGAAAAGCCTGAGCTG[AC>A]CGTCGTCTTTGAGCCTTCTTGGTAGGAGTGGAAACGGGGCTGCCAGACGCCAGTGTTCTC-3'